The following is an entry in ClinVar:

NM_000255.4(MMUT):c.987G>A (p.Trp329Ter)

Gene: MMUT (methylmalonyl-CoA mutase; minus strand). Cytogenetic location: 6p12.3.
Variant type: single nucleotide variant.
Coding change: c.987G>A on transcript NM_000255.4 (MANE Select); coding-DNA position 987, G replaced by A.
Protein change: p.Trp329Ter; replaces tryptophan 329 with a stop codon.
Molecular consequence: nonsense.
Genome position (GRCh38, 1-based): chr6:49,453,681, C>T on the plus strand (G>A on the coding strand, the complement: MMUT is on the minus strand). VCF-style: chr6-49453681-C-T. GRCh37 (hg19) VCF-style: chr6-49421394-C-T.
Other names: short protein forms W329*.
Identifiers: ClinVar variation 984150 (VCV000984150.6), dbSNP rs750475071, ClinGen allele CA3846993.
Genomic context (GRCh38, chr6:49,453,681, plus strand): 5'-TGCTCTTAGAAGAAGAGATTTTGAGTTTTTAGGCTGAAACATTTTCTCTATTAAGTGAGC[C>T]CAGAGTCTTCTACCAGCTCTCATCTTTGCTATTTCCATATAGAAATTCATTCCAATTCCC-3'

ClinVar aggregate classification (germline): Pathogenic/Likely pathogenic. Review status: criteria provided, multiple submitters, no conflicts (2 of 4 stars). 2 submissions from 2 submitters: Pathogenic (1); Likely pathogenic (1). Last evaluated 2023-02-15.

Conditions:
Methylmalonic aciduria due to methylmalonyl-CoA mutase deficiency (MAMM). Also called: Methylmalonic aciduria, mut type. Identifiers: Orphanet 27, MedGen C1855114, MONDO:0009612, OMIM 251000.

Allele frequency attached by ClinVar (database versions not stated): gnomAD exomes below 0.00001; ExAC 0.00001; gnomAD 0.00001; TOPMed 0.00001.
gnomAD v4.1: 1 of 1,612,902 alleles (0.000062%); highest among the groups gnomAD compares: African/African-American, 0.0013%; no homozygotes.

Submissions (2):

Labcorp Genetics (formerly Invitae), Labcorp
Classification: Pathogenic. Last evaluated: 2023-02-15. Review status: criteria provided, single submitter. Criteria: Invitae Variant Classification Sherloc (09022015). Collection method: clinical testing. Allele origin: germline.
Comment: This sequence change creates a premature translational stop signal (p.Trp329*) in the MUT gene. It is expected to result in an absent or disrupted protein product. Loss-of-function variants in MUT are known to be pathogenic (PMID: 15781192). This variant is present in population databases (rs750475071, gnomAD 0.007%). This variant has not been reported in the literature in individuals affected with MUT-related conditions. ClinVar contains an entry for this variant (Variation ID: 984150). For these reasons, this variant has been classified as Pathogenic.

Myriad Genetics, Inc.
Classification: Likely pathogenic for Methylmalonic aciduria due to methylmalonyl-CoA mutase deficiency. Last evaluated: 2019-04-29. Review status: criteria provided, single submitter. Criteria: Myriad Women's Health Autosomal Recessive and X-Linked Classification Criteria (2019). Collection method: clinical testing. Allele origin: unknown.
Comment: NM_000255.3(MUT):c.987G>A(W329*) is expected to be pathogenic in the context of MUT-related methylmalonic acidemia. This variant is predicted to lead to an abnormal or absent protein product due to the creation of a premature termination codon in MUT, a gene where loss-of-function variants are known to be pathogenic. Please note: this variant was assessed in the context of healthy population screening.

Literature cited by the submitters: PubMed 15781192 (cited by Labcorp Genetics (formerly Invitae), Labcorp).